The following is an entry in ClinVar:

ClinVar aggregate classification (germline): Uncertain significance (1 of 4 stars; one submission).

Conditions:
Amyotrophic lateral sclerosis type 4 (ALS4). Also called: AMYOTROPHIC LATERAL SCLEROSIS 4, JUVENILE; NEURONOPATHY, DISTAL HEREDITARY MOTOR, WITH PYRAMIDAL FEATURES. Identifiers: Orphanet 357043, MedGen C1865409, MONDO:0011223, OMIM 602433.
Spinocerebellar ataxia, autosomal recessive, with axonal neuropathy 2 (SCAN2). Also called: ATAXIA-OCULOMOTOR APRAXIA 2; Ataxia-ocular apraxia-2; Ataxia with Oculomotor Apraxia Type 2; Ataxia with Oculomotor Apraxia. Identifiers: Orphanet 64753, MedGen C1853761, MONDO:0018996, OMIM 606002.

Allele frequency attached by ClinVar (database versions not stated): gnomAD exomes below 0.00001.
gnomAD v4.1: 2 of 1,614,204 alleles (0.00012%); highest among the groups gnomAD compares: Non-Finnish European, 0.00017%; no homozygotes.

Submission:

Labcorp Genetics (formerly Invitae), Labcorp
Classification: Uncertain significance for Amyotrophic lateral sclerosis type 4; Spinocerebellar ataxia, autosomal recessive, with axonal neuropathy 2. Last evaluated: 2019-06-11. Review status: criteria provided, single submitter. Criteria: Invitae Variant Classification Sherloc (09022015). Collection method: clinical testing. Allele origin: germline.
Comment: In summary, the available evidence is currently insufficient to determine the role of this variant in disease. Therefore, it has been classified as a Variant of Uncertain Significance. Algorithms developed to predict the effect of missense changes on protein structure and function (SIFT, PolyPhen-2, Align-GVGD) all suggest that this variant is likely to be tolerated, but these predictions have not been confirmed by published functional studies and their clinical significance is uncertain. This variant has not been reported in the literature in individuals with SETX-related disease. This variant is not present in population databases (ExAC no frequency). This sequence change replaces histidine with leucine at codon 1141 of the SETX protein (p.His1141Leu). The histidine residue is weakly conserved and there is a moderate physicochemical difference between histidine and leucine.

NM_015046.7(SETX):c.3422A>T (p.His1141Leu)

Gene: SETX (senataxin; minus strand). Cytogenetic location: 9q34.13.
Variant type: single nucleotide variant.
Coding change: c.3422A>T on transcript NM_015046.7 (MANE Select); coding-DNA position 3422, A replaced by T.
Protein change: p.His1141Leu; replaces histidine 1141 with leucine.
Molecular consequence: missense variant.
Genome position (GRCh38, 1-based): chr9:132,328,176, T>A on the plus strand (A>T on the coding strand, the complement: SETX is on the minus strand). VCF-style: chr9-132328176-T-A. GRCh37 (hg19) VCF-style: chr9-135203563-T-A.
Other names: c.3422A>T, p.His1141Leu (NM_001351527.2, NM_001351528.2); short protein forms H1141L.
Identifiers: ClinVar variation 536393 (VCV000536393.11), dbSNP rs1554820904, ClinGen allele CA375330567.
Genomic context (GRCh38, chr9:132,328,176, plus strand): 5'-TTAGGCTTTTTTACTTCAATTTCACAAAATTCTTCAACAGAAATACTCCGTGGTCTTGTG[T>A]GTTCTTCAATGCCCTCTGCTCCTTTTTTAACAACTTCAGATACATAATCTGTACAACCCT-3'
Protein context (NP_055861.3, residues 1131-1151): VKKGAEGIEE[His1141Leu]TRPRSISVEE